The following is an entry in ClinVar:

ClinVar aggregate classification (germline): Benign. Review status: criteria provided, multiple submitters, no conflicts (2 of 4 stars). 2 submissions from 2 submitters: Benign (2). Last evaluated 2018-01-13.

Conditions:
Retinitis pigmentosa (RP). Identifiers: Orphanet 791, MedGen C0035334, MeSH D012174, MONDO:0019200, OMIM 268000. Inheritance: Autosomal dominant, autosomal recessive and X linked inheritance.

Allele frequency attached by ClinVar (database versions not stated): gnomAD 0.10813 and 0.11360; TOPMed 0.11499; gnomAD exomes 0.06873 and 0.07143; ExAC 0.07200; 1000 Genomes Project 0.08546; 1000 Genomes Project 30x 0.08776; ESP Exome Variant Server 0.10436.
gnomAD v4.1: 121,563 of 1,613,838 alleles (7.5%); highest among the groups gnomAD compares: African/African-American, 21%; 5,687 homozygotes.

Submissions (2):

Illumina Laboratory Services, Illumina
Classification: Benign for Retinitis pigmentosa. Last evaluated: 2018-01-13. Review status: criteria provided, single submitter. Criteria: ICSL Variant Classification Criteria 13 December 2019. Collection method: clinical testing. Allele origin: germline.
Comment: This variant was observed in the ICSL laboratory as part of a predisposition screen in an ostensibly healthy population. It had not been previously curated by ICSL or reported in the Human Gene Mutation Database (HGMD: prior to June 1st, 2018), and was therefore a candidate for classification through an automated scoring system. Utilizing variant allele frequency, disease prevalence and penetrance estimates, and inheritance mode, an automated score was calculated to assess if this variant is too frequent to cause the disease. Based on the score and internal cut-off values, a variant classified as benign is not then subjected to further curation. The score for this variant resulted in a classification of benign for this disease.

Breakthrough Genomics
Classification: Benign. Review status: criteria provided, single submitter. Criteria: ACMG Guidelines, 2015. Collection method: not provided. Allele origin: germline. Inheritance: Autosomal recessive inheritance. Affected: yes.

NM_001297.5(CNGB1):c.*33A>G

Gene: CNGB1 (cyclic nucleotide gated channel subunit beta 1; minus strand). Cytogenetic location: 16q21.
Variant type: single nucleotide variant.
Coding change: c.*33A>G on transcript NM_001297.5 (MANE Select); 33 bases downstream of the stop codon, A replaced by G.
Molecular consequence: 3 prime UTR variant.
Genome position (GRCh38, 1-based): chr16:57,884,131, T>C on the plus strand (A>G on the coding strand, the complement: CNGB1 is on the minus strand). VCF-style: chr16-57884131-T-C. GRCh37 (hg19) VCF-style: chr16-57918035-T-C.
Other names: c.*33A>G (NM_001286130.2).
Identifiers: ClinVar variation 320053 (VCV000320053.6), dbSNP rs13338071, ClinGen allele CA8082445.